The following is an entry in ClinVar:

ClinVar aggregate classification (germline): Uncertain significance. Review status: criteria provided, multiple submitters, no conflicts (2 of 4 stars). 2 submissions from 2 submitters: Uncertain significance (2). Last evaluated 2025-08-19.

Conditions:
Hereditary cancer-predisposing syndrome. Also called: Tumor predisposition; Hereditary Cancer Syndrome; Neoplastic Syndromes, Hereditary; Hereditary neoplastic syndrome. Identifiers: Orphanet 140162, MedGen C0027672, MeSH D009386, MONDO:0015356.

Submissions (2):

Ambry Genetics
Classification: Uncertain significance for Hereditary cancer-predisposing syndrome. Last evaluated: 2025-08-19. Review status: criteria provided, single submitter. Criteria: Ambry Variant Classification Scheme 2023. Collection method: clinical testing. Allele origin: germline.
Comment: The p.Q854R variant (also known as c.2561A>G), located in coding exon 16 of the RAD50 gene, results from an A to G substitution at nucleotide position 2561. The glutamine at codon 854 is replaced by arginine, an amino acid with highly similar properties. This amino acid position is highly conserved in available vertebrate species. In addition, the in silico prediction for this alteration is inconclusive. Since supporting evidence is limited at this time, the clinical significance of this alteration remains unclear.

Labcorp Genetics (formerly Invitae), Labcorp
Classification: Uncertain significance for Hereditary cancer-predisposing syndrome. Last evaluated: 2023-03-26. Review status: criteria provided, single submitter. Criteria: Invitae Variant Classification Sherloc (09022015). Collection method: clinical testing. Allele origin: germline.
Comment: This sequence change replaces glutamine, which is neutral and polar, with arginine, which is basic and polar, at codon 854 of the RAD50 protein (p.Gln854Arg). This variant is not present in population databases (gnomAD no frequency). This variant has not been reported in the literature in individuals affected with RAD50-related conditions. ClinVar contains an entry for this variant (Variation ID: 1793115). Advanced modeling of protein sequence and biophysical properties (such as structural, functional, and spatial information, amino acid conservation, physicochemical variation, residue mobility, and thermodynamic stability) performed at Invitae indicates that this missense variant is expected to disrupt RAD50 protein function. Algorithms developed to predict the effect of sequence changes on RNA splicing suggest that this variant may disrupt the consensus splice site. In summary, the available evidence is currently insufficient to determine the role of this variant in disease. Therefore, it has been classified as a Variant of Uncertain Significance.

NM_005732.4(RAD50):c.2561A>G (p.Gln854Arg)

Gene: RAD50 (RAD50 double strand break repair protein; plus strand). Cytogenetic location: 5q31.1.
Variant type: single nucleotide variant.
Coding change: c.2561A>G on transcript NM_005732.4 (MANE Select); coding-DNA position 2561, A replaced by G.
Protein change: p.Gln854Arg; replaces glutamine 854 with arginine.
Molecular consequence: missense variant.
Genome position (GRCh38, 1-based): chr5:132,604,842, A>G. VCF-style: chr5-132604842-A-G. GRCh37 (hg19) VCF-style: chr5-131940534-A-G.
Other names: short protein forms Q854R.
Identifiers: ClinVar variation 1793115 (VCV001793115.8), dbSNP rs2479668152, ClinGen allele CA360956333.